The following is an entry in ClinVar:

ClinVar aggregate classification (germline): Uncertain significance (1 of 4 stars; one submission).

Submission:

Labcorp Genetics (formerly Invitae), Labcorp
Classification: Uncertain significance. Last evaluated: 2021-09-01. Review status: criteria provided, single submitter. Criteria: Invitae Variant Classification Sherloc (09022015). Collection method: clinical testing. Allele origin: germline.
Comment: This sequence change replaces valine with glycine at codon 640 of the RBP3 protein (p.Val640Gly). The valine residue is highly conserved and there is a moderate physicochemical difference between valine and glycine. This variant is not present in population databases (ExAC no frequency). This variant has not been reported in the literature in individuals affected with RBP3-related conditions. Algorithms developed to predict the effect of missense changes on protein structure and function are either unavailable or do not agree on the potential impact of this missense change (SIFT: "Deleterious"; PolyPhen-2: "Benign"; Align-GVGD: "Class C0"). In summary, the available evidence is currently insufficient to determine the role of this variant in disease. Therefore, it has been classified as a Variant of Uncertain Significance.

NM_002900.3(RBP3):c.1919T>G (p.Val640Gly)

Gene: RBP3 (retinol binding protein 3; plus strand). Cytogenetic location: 10q11.22.
Variant type: single nucleotide variant.
Coding change: c.1919T>G on transcript NM_002900.3 (MANE Select); coding-DNA position 1919, T replaced by G.
Protein change: p.Val640Gly; replaces valine 640 with glycine.
Molecular consequence: missense variant.
Genome position (GRCh38, 1-based): chr10:47,350,403, T>G. VCF-style: chr10-47350403-T-G. GRCh37 (hg19) VCF-style: chr10-48388959-A-C.
Other names: short protein forms V640G.
Identifiers: ClinVar variation 1002163 (VCV001002163.6), dbSNP rs886047019, ClinGen allele CA376671745.